The following is an entry in ClinVar:

ClinVar aggregate classification (germline): Pathogenic/Likely pathogenic. Review status: criteria provided, multiple submitters, no conflicts (2 of 4 stars). 3 submissions from 3 submitters: Pathogenic (1); Likely pathogenic (1). 1 of the submissions does not count toward it. Last evaluated 2025-12-21.

Conditions:
Charcot-Marie-Tooth Neuropathy X. Identifiers: MedGen CN118851.
Charcot-Marie-Tooth disease X-linked dominant 1. Also called: Charcot-Marie-Tooth Neuropathy X Type 1; X-linked Charcot-Marie-Tooth disease type 1; GJB1 Disorders: Charcot-Marie-Tooth Neuropathy (CMT1X) and Central Nervous System Phenotypes; CHARCOT-MARIE-TOOTH NEUROPATHY, X-LINKED, 1; CHARCOT-MARIE-TOOTH PERONEAL MUSCULAR ATROPHY, X-LINKED; HEREDITARY MOTOR AND SENSORY NEUROPATHY, X-LINKED. Identifiers: Orphanet 101075, MedGen C0393808, MONDO:0010549, OMIM 302800.
Charcot-Marie-Tooth disease. Also called: Charcot-Marie-Tooth Hereditary Neuropathy; Charcot-Marie-Tooth Neuropathy. Identifiers: Orphanet 166, MedGen C0007959, MONDO:0015626.

Submissions (3):

Labcorp Genetics (formerly Invitae), Labcorp
Classification: Pathogenic for Charcot-Marie-Tooth Neuropathy X. Last evaluated: 2025-12-21. Review status: criteria provided, single submitter. Criteria: Invitae Variant Classification Sherloc (09022015). Collection method: clinical testing. Allele origin: germline.
Comment: This sequence change replaces proline, which is neutral and non-polar, with alanine, which is neutral and non-polar, at codon 172 of the GJB1 protein (p.Pro172Ala). This variant is not present in population databases (gnomAD no frequency). This missense change has been observed in individuals with clinical features of Charcot-Marie-Tooth disease (PMID: 12497641, 32376792; internal data). ClinVar contains an entry for this variant (Variation ID: 637168). Invitae Evidence Modeling of protein sequence and biophysical properties (such as structural, functional, and spatial information, amino acid conservation, physicochemical variation, residue mobility, and thermodynamic stability) indicates that this missense variant is expected to disrupt GJB1 protein function with a positive predictive value of 95%. This variant disrupts the p.Pro172 amino acid residue in GJB1. Other variant(s) that disrupt this residue have been determined to be pathogenic (PMID: 9633821, 9856562, 21692908, 27098783). This suggests that this residue is clinically significant, and that variants that disrupt this residue are likely to be disease-causing. For these reasons, this variant has been classified as Pathogenic.

Institute of Human Genetics, University of Leipzig Medical Center
Classification: Likely pathogenic for Charcot-Marie-Tooth disease X-linked dominant 1. Last evaluated: 2022-11-22. Review status: criteria provided, single submitter. Criteria: ACMG Guidelines, 2015. Collection method: clinical testing. Allele origin: unknown. Inheritance: X-linked dominant inheritance. Affected: yes.
Comment: Criteria applied: PM5_STR,PS4_MOD,PM2_SUP,PP3

Inherited Neuropathy Consortium
Classification: Uncertain significance for Charcot-Marie-Tooth disease. Review status: no assertion criteria provided. Collection method: literature only. Allele origin: germline. Affected: yes. Not counted in ClinVar's aggregate classification.

Literature cited by the submitters: PubMed 12497641 (cited by Labcorp Genetics (formerly Invitae), Labcorp and Inherited Neuropathy Consortium); PubMed 32376792 (cited by Labcorp Genetics (formerly Invitae), Labcorp); PubMed 9633821 (cited by Labcorp Genetics (formerly Invitae), Labcorp); PubMed 9856562 (cited by Labcorp Genetics (formerly Invitae), Labcorp); PubMed 21692908 (cited by Labcorp Genetics (formerly Invitae), Labcorp); PubMed 27098783 (cited by Labcorp Genetics (formerly Invitae), Labcorp).

NM_000166.6(GJB1):c.514C>G (p.Pro172Ala)

Gene: GJB1 (gap junction protein beta 1; plus strand). Cytogenetic location: Xq13.1.
Variant type: single nucleotide variant.
Coding change: c.514C>G on transcript NM_000166.6 (MANE Select); coding-DNA position 514, C replaced by G.
Protein change: p.Pro172Ala; replaces proline 172 with alanine.
Molecular consequence: missense variant.
Genome position (GRCh38, 1-based): chrX:71,224,221, C>G. VCF-style: chrX-71224221-C-G. GRCh37 (hg19) VCF-style: chrX-70444071-C-G.
Other names: c.514C>G, p.Pro172Ala (NM_001097642.3); short protein forms P172A.
Identifiers: ClinVar variation 637168 (VCV000637168.6), dbSNP rs104894811, ClinGen allele CA413502905.